The following is an entry in ClinVar:

NM_019074.4(DLL4):c.1327G>A (p.Asp443Asn)

Gene: DLL4 (delta like canonical Notch ligand 4; plus strand). Cytogenetic location: 15q15.1.
Variant type: single nucleotide variant.
Coding change: c.1327G>A on transcript NM_019074.4 (MANE Select); coding-DNA position 1327, G replaced by A.
Protein change: p.Asp443Asn; replaces aspartic acid 443 with asparagine.
Molecular consequence: missense variant.
Genome position (GRCh38, 1-based): chr15:40,936,314, G>A. VCF-style: chr15-40936314-G-A. GRCh37 (hg19) VCF-style: chr15-41228512-G-A.
Other names: c.1327G>A (NM_019074.3); short protein forms D443N.
Identifiers: ClinVar variation 2171961 (VCV002171961.6), dbSNP rs762820678, ClinGen allele CA7487915.
Genomic context (GRCh38, chr15:40,936,314, plus strand): 5'-AGCCGCATGTGCCGCTGCCGTCCTGGATTCACGGGCACCTACTGTGAACTCCACGTCAGC[G>A]ACTGTGCCCGTAACCCTTGCGCCCACGGTGGCACTTGCCATGACCTGGAGAATGGGCTCA-3'
Protein context (NP_061947.1, residues 433-453): TGTYCELHVS[Asp443Asn]CARNPCAHGG

ClinVar aggregate classification (germline): Conflicting classifications of pathogenicity. Review status: criteria provided, conflicting classifications (1 of 4 stars). 3 submissions from 3 submitters: Uncertain significance (1); Likely benign (2). Last evaluated 2025-09-01.

Conditions:
Inborn genetic diseases. Identifiers: MedGen C0950123, MeSH D030342.

Allele frequency attached by ClinVar (database versions not stated): gnomAD 0.00004; gnomAD exomes 0.00005; TOPMed 0.00006; ExAC 0.00013.
gnomAD v4.1: 88 of 1,609,234 alleles (0.0055%); highest among the groups gnomAD compares: Middle Eastern, 0.099%; no homozygotes.

Submissions (3):

Ambry Genetics
Classification: Likely benign for Inborn genetic diseases. Last evaluated: 2025-09-01. Review status: criteria provided, single submitter. Criteria: Ambry Variant Classification Scheme 2023. Collection method: clinical testing. Allele origin: germline.

Blueprint Genetics
Classification: Likely benign. Last evaluated: 2024-09-23. Review status: criteria provided, single submitter. Criteria: ACMG Guidelines, 2015. Collection method: clinical testing. Allele origin: germline.

Labcorp Genetics (formerly Invitae), Labcorp
Classification: Uncertain significance. Last evaluated: 2022-11-28. Review status: criteria provided, single submitter. Criteria: Invitae Variant Classification Sherloc (09022015). Collection method: clinical testing. Allele origin: germline.
Comment: This sequence change replaces aspartic acid, which is acidic and polar, with asparagine, which is neutral and polar, at codon 443 of the DLL4 protein (p.Asp443Asn). This variant is present in population databases (rs762820678, gnomAD 0.01%). This variant has not been reported in the literature in individuals affected with DLL4-related conditions. Advanced modeling of protein sequence and biophysical properties (such as structural, functional, and spatial information, amino acid conservation, physicochemical variation, residue mobility, and thermodynamic stability) performed at Invitae indicates that this missense variant is not expected to disrupt DLL4 protein function. In summary, the available evidence is currently insufficient to determine the role of this variant in disease. Therefore, it has been classified as a Variant of Uncertain Significance.